The following is an entry in ClinVar:

NM_001379500.1(COL18A1):c.107-12485C>A

Gene: COL18A1 (collagen type XVIII alpha 1 chain; plus strand). Cytogenetic location: 21q22.3.
Variant type: single nucleotide variant.
Coding change: c.107-12485C>A on transcript NM_001379500.1 (MANE Select); 12485 bases into the intron before coding-DNA position 107, C replaced by A.
Molecular consequence: intron variant. On other transcripts: missense variant (2).
Genome position (GRCh38, 1-based): chr21:45,455,757, C>A. VCF-style: chr21-45455757-C-A. GRCh37 (hg19) VCF-style: chr21-46875671-C-A.
Other names: c.227C>A, p.Ala76Asp (NM_030582.4, NM_130444.3); short protein forms A76D.
Identifiers: ClinVar variation 1470639 (VCV001470639.6), dbSNP rs773963114, ClinGen allele CA10065414.

ClinVar aggregate classification (germline): Uncertain significance (1 of 4 stars; one submission).

Allele frequency attached by ClinVar (database versions not stated): gnomAD exomes below 0.00001 and 0.00001; ExAC 0.00001.
gnomAD v4.1: 2 of 1,613,764 alleles (0.00012%); highest among the groups gnomAD compares: South Asian, 0.0011%; no homozygotes.

Submission:

Labcorp Genetics (formerly Invitae), Labcorp
Classification: Uncertain significance. Last evaluated: 2020-11-20. Review status: criteria provided, single submitter. Criteria: Invitae Variant Classification Sherloc (09022015). Collection method: clinical testing. Allele origin: germline.
Comment: In summary, the available evidence is currently insufficient to determine the role of this variant in disease. Therefore, it has been classified as a Variant of Uncertain Significance. Experimental studies and prediction algorithms are not available or were not evaluated, and the functional significance of this variant is currently unknown. This variant has not been reported in the literature in individuals with COL18A1-related conditions. This variant is present in population databases (rs773963114, ExAC 0.006%). This sequence change replaces alanine with aspartic acid at codon 76 of the COL18A1 protein (p.Ala76Asp). The COL18A1 gene has multiple clinically relevant transcripts. This variant occurs in alternate transcript NM_030582.3, and corresponds to NM_130445.3:c.107-12485C>A in the primary transcript.